The following is an entry in ClinVar:

NM_000455.5(STK11):c.929G>A (p.Arg310Gln)

Gene: STK11 (serine/threonine kinase 11; plus strand). Cytogenetic location: 19p13.3.
Variant type: single nucleotide variant.
Coding change: c.929G>A on transcript NM_000455.5 (MANE Select); coding-DNA position 929, G replaced by A.
Protein change: p.Arg310Gln; replaces arginine 310 with glutamine.
Molecular consequence: missense variant.
Genome position (GRCh38, 1-based): chr19:1,222,993, G>A. VCF-style: chr19-1222993-G-A. GRCh37 (hg19) VCF-style: chr19-1222992-G-A.
Other names: short protein forms R310Q.
Identifiers: ClinVar variation 458073 (VCV000458073.27), dbSNP rs1555739158, ClinGen allele CA402951443.

ClinVar aggregate classification (germline): Uncertain significance. Review status: criteria provided, multiple submitters, no conflicts (2 of 4 stars). 6 submissions from 6 submitters: Uncertain significance (6). Last evaluated 2025-11-10.

Conditions:
Melanoma, cutaneous malignant, susceptibility to, 1 (CMM1). Also called: B-K MOLE SYNDROME; MELANOMA, MALIGNANT; DYSPLASTIC NEVUS SYNDROME, HEREDITARY; FAMILIAL ATYPICAL MOLE-MALIGNANT MELANOMA SYNDROME. Identifiers: Orphanet 618, MedGen C1835047, MONDO:0007963, OMIM 155600.
Peutz-Jeghers syndrome (PJS). Also called: POLYPOSIS, HAMARTOMATOUS INTESTINAL; POLYPS-AND-SPOTS SYNDROME; Peutz-Jeghers polyposis; Periorificial lentiginosis syndrome. Identifiers: Orphanet 2869, MedGen C0031269, MeSH D010580, MONDO:0008280, OMIM 175200.
Hereditary cancer-predisposing syndrome. Also called: Hereditary Cancer Syndrome; Hereditary neoplastic syndrome; Tumor predisposition; Neoplastic Syndromes, Hereditary. Identifiers: Orphanet 140162, MedGen C0027672, MeSH D009386, MONDO:0015356.

Allele frequency attached by ClinVar (database versions not stated): gnomAD exomes below 0.00001; gnomAD 0.00001; TOPMed 0.00001.
gnomAD v4.1: 6 of 1,555,468 alleles (0.00039%); highest among the groups gnomAD compares: African/African-American, 0.0027%; no homozygotes.

Submissions (6):

Labcorp Genetics (formerly Invitae), Labcorp
Classification: Uncertain significance for Peutz-Jeghers syndrome. Last evaluated: 2025-11-10. Review status: criteria provided, single submitter. Criteria: Invitae Variant Classification Sherloc (09022015). Collection method: clinical testing. Allele origin: germline.
Comment: This sequence change replaces arginine, which is basic and polar, with glutamine, which is neutral and polar, at codon 310 of the STK11 protein (p.Arg310Gln). This variant is not present in population databases (gnomAD no frequency). This missense change has been observed in individual(s) with colorectal cancer (PMID: 27978560). ClinVar contains an entry for this variant (Variation ID: 458073). Invitae Evidence Modeling of protein sequence and biophysical properties (such as structural, functional, and spatial information, amino acid conservation, physicochemical variation, residue mobility, and thermodynamic stability) indicates that this missense variant is not expected to disrupt STK11 protein function with a negative predictive value of 95%. In summary, the available evidence is currently insufficient to determine the role of this variant in disease. Therefore, it has been classified as a Variant of Uncertain Significance.

Ambry Genetics
Classification: Uncertain significance for Hereditary cancer-predisposing syndrome. Last evaluated: 2025-08-01. Review status: criteria provided, single submitter. Criteria: Ambry Variant Classification Scheme 2023. Collection method: clinical testing. Allele origin: germline.
Comment: The p.R310Q variant (also known as c.929G>A), located in coding exon 8 of the STK11 gene, results from a G to A substitution at nucleotide position 929. The arginine at codon 310 is replaced by glutamine, an amino acid with highly similar properties. This alteration has been previously identified in an individual from a North American cohort of individuals with early onset colon cancer. (Pearlman R et al. JAMA Oncol, 2017 Apr;3:464-471). This amino acid position is highly conserved in available vertebrate species. In addition, the in silico prediction for this alteration is inconclusive. Since supporting evidence is limited at this time, the clinical significance of this alteration remains unclear.

Color Diagnostics, LLC DBA Color Health
Classification: Uncertain significance for Hereditary cancer-predisposing syndrome. Last evaluated: 2025-03-31. Review status: criteria provided, single submitter. Criteria: ACMG Guidelines, 2015. Collection method: clinical testing. Allele origin: germline.
Comment: This missense variant replaces arginine with glutamine at codon 310 of the STK11 protein. Computational prediction suggests that this variant may not impact protein structure and function. To our knowledge, functional studies have not been reported for this variant. This variant has been reported in an individual affected with colon cancer (PMID: 27978560). This variant has not been identified in the general population by the Genome Aggregation Database (gnomAD). The available evidence is insufficient to determine the role of this variant in disease conclusively. Therefore, this variant is classified as a Variant of Uncertain Significance.

Baylor Genetics
Classification: Uncertain significance for Melanoma, cutaneous malignant, susceptibility to, 1. Last evaluated: 2024-03-07. Review status: criteria provided, single submitter. Criteria: ACMG Guidelines, 2015. Collection method: clinical testing. Allele origin: unknown.

GeneDx
Classification: Uncertain significance. Last evaluated: 2024-02-28. Review status: criteria provided, single submitter. Criteria: GeneDx Variant Classification Process June 2021. Collection method: clinical testing. Allele origin: germline. Affected: yes.
Comment: Not observed in large population cohorts (gnomAD); In silico analysis supports that this missense variant does not alter protein structure/function; Observed in individuals with colorectal cancer (PMID: 27978560); This variant is associated with the following publications: (PMID: 28900777, 27978560)

Genome-Nilou Lab
Classification: Uncertain significance for Peutz-Jeghers syndrome. Last evaluated: 2021-07-15. Review status: criteria provided, single submitter. Criteria: ACMG Guidelines, 2015. Collection method: clinical testing. Allele origin: germline. Affected: no.

Literature cited by the submitters: PubMed 27978560 (cited by 3 submitters).